The following is an entry in ClinVar:

NM_000612.6(IGF2):c.495C>G (p.Asp165Glu)

Genes: IGF2 (insulin like growth factor 2; minus strand), INS-IGF2 (INS-IGF2 readthrough; minus strand). Cytogenetic location: 11p15.5.
Variant type: single nucleotide variant.
Coding change: c.495C>G on transcript NM_000612.6 (MANE Select); coding-DNA position 495, C replaced by G.
Protein change: p.Asp165Glu; replaces aspartic acid 165 with glutamic acid.
Molecular consequence: missense variant. On other transcripts: non-coding transcript variant (1).
Genome position (GRCh38, 1-based): chr11:2,133,035, G>C on the plus strand (C>G on the coding strand, the complement: IGF2 is on the minus strand). VCF-style: chr11-2133035-G-C. GRCh37 (hg19) VCF-style: chr11-2154265-G-C.
Other names: c.495C>G, p.Asp165Glu (NM_001007139.6, NM_001291861.3, NM_001291862.3); c.663C>G, p.Asp221Glu (NM_001127598.3); short protein forms D165E, D221E.
Identifiers: ClinVar variation 2082658 (VCV002082658.5), dbSNP rs763681027, ClinGen allele CA5817594.

ClinVar aggregate classification (germline): Uncertain significance. Review status: criteria provided, multiple submitters, no conflicts (2 of 4 stars). 2 submissions from 2 submitters: Uncertain significance (2). Last evaluated 2025-04-12.

Conditions:
Inborn genetic diseases. Identifiers: MedGen C0950123, MeSH D030342.

Allele frequency attached by ClinVar (database versions not stated): gnomAD exomes 0.00001; gnomAD 0.00001; TOPMed 0.00001; ExAC 0.00001.
gnomAD v4.1: 6 of 1,585,230 alleles (0.00038%); highest among the groups gnomAD compares: Admixed American, 0.011%; no homozygotes.

Submissions (2):

Ambry Genetics
Classification: Uncertain significance for Inborn genetic diseases. Last evaluated: 2025-04-12. Review status: criteria provided, single submitter. Criteria: Ambry Variant Classification Scheme 2023. Collection method: clinical testing. Allele origin: germline.

Labcorp Genetics (formerly Invitae), Labcorp
Classification: Uncertain significance. Last evaluated: 2023-08-20. Review status: criteria provided, single submitter. Criteria: Invitae Variant Classification Sherloc (09022015). Collection method: clinical testing. Allele origin: germline.
Comment: In summary, the available evidence is currently insufficient to determine the role of this variant in disease. Therefore, it has been classified as a Variant of Uncertain Significance. An algorithm developed to predict the effect of missense changes on protein structure and function (PolyPhen-2) suggests that this variant¬†is likely to be tolerated. ClinVar contains an entry for this variant (Variation ID: 2082658). This variant has not been reported in the literature in individuals affected with IGF2-related conditions. This variant is present in population databases (rs763681027, gnomAD 0.01%). This sequence change replaces aspartic acid, which is acidic and polar, with glutamic acid, which is acidic and polar, at codon 165 of the IGF2 protein (p.Asp165Glu).